The following is an entry in ClinVar:

NM_022051.2(EGLN1):c.-2592T>G

Gene: EGLN1 (egl-9 family hypoxia inducible factor 1; minus strand). Cytogenetic location: 1q42.2.
Variant type: single nucleotide variant.
Coding change: c.-2592T>G on transcript NM_022051.2; 2592 bases upstream of the start codon, T replaced by G.
Genome position (GRCh38, 1-based): chr1:231,424,480, A>C on the plus strand (T>G on the coding strand, the complement: EGLN1 is on the minus strand). VCF-style: chr1-231424480-A-C. GRCh37 (hg19) VCF-style: chr1-231560226-A-C.
Identifiers: ClinVar variation 296241 (VCV000296241.8), dbSNP rs1361383, ClinGen allele CA10610390.

ClinVar aggregate classification (germline): Benign. Review status: criteria provided, multiple submitters, no conflicts (2 of 4 stars). 2 submissions from 2 submitters: Benign (2). Last evaluated 2018-01-13.

Conditions:
Erythrocytosis, familial, 3 (ECYT3). Identifiers: Orphanet 247511, MedGen C1853286, MONDO:0012353, OMIM 609820.

Allele frequency attached by ClinVar (database versions not stated): 1000 Genomes Project 0.14018; gnomAD 0.16203 and 0.16943; TOPMed 0.17870; 1000 Genomes Project 30x 0.14600.

Submissions (2):

Illumina Laboratory Services, Illumina
Classification: Benign for Erythrocytosis, familial, 3. Last evaluated: 2018-01-13. Review status: criteria provided, single submitter. Criteria: ICSL Variant Classification Criteria 13 December 2019. Collection method: clinical testing. Allele origin: germline.
Comment: This variant was observed in the ICSL laboratory as part of a predisposition screen in an ostensibly healthy population. It had not been previously curated by ICSL or reported in the Human Gene Mutation Database (HGMD: prior to June 1st, 2018), and was therefore a candidate for classification through an automated scoring system. Utilizing variant allele frequency, disease prevalence and penetrance estimates, and inheritance mode, an automated score was calculated to assess if this variant is too frequent to cause the disease. Based on the score and internal cut-off values, a variant classified as benign is not then subjected to further curation. The score for this variant resulted in a classification of benign for this disease.

Breakthrough Genomics
Classification: Benign. Review status: criteria provided, single submitter. Criteria: ACMG Guidelines, 2015. Collection method: not provided. Allele origin: germline. Inheritance: Autosomal dominant inheritance. Affected: yes.